The following is an entry in ClinVar:

NM_003073.5(SMARCB1):c.500G>A (p.Cys167Tyr)

Gene: SMARCB1 (SWI/SNF related BAF chromatin remodeling complex subunit B1; plus strand). Cytogenetic location: 22q11.23.
Variant type: single nucleotide variant.
Coding change: c.500G>A on transcript NM_003073.5 (MANE Select); coding-DNA position 500, G replaced by A.
Protein change: p.Cys167Tyr; replaces cysteine 167 with tyrosine.
Molecular consequence: missense variant. On other transcripts: nonsense (2).
Genome position (GRCh38, 1-based): chr22:23,801,081, G>A. VCF-style: chr22-23801081-G-A. GRCh37 (hg19) VCF-style: chr22-24143268-G-A.
Other names: c.473G>A, p.Cys158Tyr (NM_001007468.3); c.473G>A, p.Trp158Ter (NM_001317946.2); c.500G>A, p.Trp167Ter (NM_001362877.2); short protein forms W158*, C158Y, C167Y, W167*.
Identifiers: ClinVar variation 3723908 (VCV003723908.3).

ClinVar aggregate classification (germline): Uncertain significance. Review status: criteria provided, multiple submitters, no conflicts (2 of 4 stars). 2 submissions from 2 submitters: Uncertain significance (2). Last evaluated 2024-02-29.

Conditions:
Malignant neoplasm of nervous system. Also called: Nervous system cancer. Identifiers: MedGen C0497549, MONDO:0005872.

Submissions (2):

Labcorp Genetics (formerly Invitae), Labcorp
Classification: Uncertain significance. Last evaluated: 2024-02-29. Review status: criteria provided, single submitter. Criteria: Invitae Variant Classification Sherloc (09022015). Collection method: clinical testing. Allele origin: germline.
Comment: This sequence change replaces cysteine, which is neutral and slightly polar, with tyrosine, which is neutral and polar, at codon 167 of the SMARCB1 protein (p.Cys167Tyr). This variant also falls at the last nucleotide of exon 4, which is part of the consensus splice site for this exon. This variant is not present in population databases (gnomAD no frequency). This missense change has been observed in individual(s) with schwannomatosis (PMID: 18647326). It has also been observed to segregate with disease in related individuals. An algorithm developed to predict the effect of missense changes on protein structure and function (PolyPhen-2) suggests that this variant is likely to be tolerated. Variants that disrupt the consensus splice site are a relatively common cause of aberrant splicing (PMID: 17576681, 9536098). In summary, the available evidence is currently insufficient to determine the role of this variant in disease. Therefore, it has been classified as a Variant of Uncertain Significance.

Cambridge Genomics Laboratory, East Genomic Laboratory Hub, NHS Genomic Medicine Service
Classification: Uncertain significance for Neoplasm of the nervous system. Last evaluated: 2020-06-22. Review status: criteria provided, single submitter. Criteria: ACGS Best Practice Guidelines for Variant Classification in Rare Disease 2020. Collection method: clinical testing. Allele origin: germline. Affected: yes. Observed: 1 variant allele.

Literature cited by the submitters: PubMed 18647326 (cited by Labcorp Genetics (formerly Invitae), Labcorp); PubMed 17576681 (cited by Labcorp Genetics (formerly Invitae), Labcorp); PubMed 9536098 (cited by Labcorp Genetics (formerly Invitae), Labcorp).